The following is an entry in ClinVar:

NM_006939.4(SOS2):c.757T>C (p.Leu253=)

Gene: SOS2 (SOS Ras/Rho guanine nucleotide exchange factor 2; minus strand). Cytogenetic location: 14q21.3.
Variant type: single nucleotide variant.
Coding change: c.757T>C on transcript NM_006939.4 (MANE Select); coding-DNA position 757, T replaced by C.
Protein change: p.Leu253=; no amino-acid change (leucine 253 retained).
Molecular consequence: synonymous variant.
Genome position (GRCh38, 1-based): chr14:50,182,564, A>G on the plus strand (T>C on the coding strand, the complement: SOS2 is on the minus strand). VCF-style: chr14-50182564-A-G. GRCh37 (hg19) VCF-style: chr14-50649282-A-G.
Other names: c.757T>C, p.Leu253= (NM_001411020.1).
Identifiers: ClinVar variation 1759618 (VCV001759618.7), dbSNP rs1189649465, ClinGen allele CA486170888.
Genomic context (GRCh38, chr14:50,182,564, plus strand): 5'-GACTGCTTTCATCAGTCATTTCAACTGTGTCTTCAATCAAACCTAAAAGTTTCACAGTCA[A>G]TTCATGTATATCTGAAATGTTACTAAAAATCTTTTCGATATCCTGAAAAAAGAGAAGGAA-3'
Protein context (NP_008870.2, residues 243-263): IFSNISDIHE[Leu253=]TVKLLGLIED

ClinVar aggregate classification (germline): Likely benign. Review status: criteria provided, multiple submitters, no conflicts (2 of 4 stars). 3 submissions from 3 submitters: Likely benign (2). 1 of the submissions does not count toward it. Last evaluated 2024-01-29.

Conditions:
Noonan syndrome 9 (NS9). Identifiers: Orphanet 648, MedGen C4225282, MONDO:0014691, OMIM 616559.
SOS2-related disorder. Also called: SOS2-related condition.
Cardiovascular phenotype. Identifiers: MedGen CN230736.

Allele frequency attached by ClinVar (database versions not stated): gnomAD exomes below 0.00001; TOPMed below 0.00001.
gnomAD v4.1: 4 of 1,605,816 alleles (0.00025%); highest among the groups gnomAD compares: East Asian, 0.0022%; no homozygotes.

Submissions (3):

Labcorp Genetics (formerly Invitae), Labcorp
Classification: Likely benign for Noonan syndrome 9. Last evaluated: 2024-01-29. Review status: criteria provided, single submitter. Criteria: Invitae Variant Classification Sherloc (09022015). Collection method: clinical testing. Allele origin: germline.

Ambry Genetics
Classification: Likely benign for Cardiovascular phenotype. Last evaluated: 2019-05-27. Review status: criteria provided, single submitter. Criteria: Ambry Variant Classification Scheme 2023. Collection method: clinical testing. Allele origin: germline.

PreventionGenetics, part of Exact Sciences
Classification: Likely benign for SOS2-related condition. Last evaluated: 2022-12-05. Review status: no assertion criteria provided. Collection method: clinical testing. Allele origin: germline. Not counted in ClinVar's aggregate classification.
Comment: This variant is classified as likely benign based on ACMG/AMP sequence variant interpretation guidelines (Richards et al. 2015 PMID: 25741868, with internal and published modifications).